The following is an entry in ClinVar:

NM_001134382.3(IQSEC1):c.1108C>A (p.Pro370Thr)

Gene: IQSEC1 (IQ motif and Sec7 domain ArfGEF 1; minus strand). Cytogenetic location: 3p25.2.
Variant type: single nucleotide variant.
Coding change: c.1108C>A on transcript NM_001134382.3 (MANE Select); coding-DNA position 1108, C replaced by A.
Protein change: p.Pro370Thr; replaces proline 370 with threonine.
Molecular consequence: missense variant.
Genome position (GRCh38, 1-based): chr3:12,935,908, G>T on the plus strand (C>A on the coding strand, the complement: IQSEC1 is on the minus strand). VCF-style: chr3-12935908-G-T. GRCh37 (hg19) VCF-style: chr3-12977408-G-T.
Other names: c.784C>A, p.Pro262Thr (NM_001330619.3); c.1432C>A, p.Pro478Thr (NM_001376938.2); c.1150C>A, p.Pro384Thr (NM_014869.8); short protein forms P262T, P370T, P384T, P478T.
Identifiers: ClinVar variation 5006533 (VCV005006533.2).

ClinVar aggregate classification (germline): Uncertain significance (1 of 4 stars; one submission).

Conditions:
Intellectual developmental disorder with short stature and behavioral abnormalities. Identifiers: MedGen C5231462, MONDO:0032870, OMIM 618687.

Submission:

Juno Genomics, Hangzhou Juno Genomics, Inc
Classification: Uncertain significance for Intellectual developmental disorder with short stature and behavioral abnormalities. Review status: criteria provided, single submitter. Criteria: ACMG Guidelines, 2015. Collection method: clinical testing. Allele origin: germline.
Comment: Absent from controls (or at extremely low frequency if recessive) in Genome Aggregation Database.;Multiple lines of computational evidence support a deleterious effect on the gene or gene product.